The following is an entry in ClinVar:

NM_001507.1(MLNR):c.981G>A (p.Ser327=)

Gene: MLNR (motilin receptor; plus strand). Cytogenetic location: 13q14.2.
Variant type: single nucleotide variant.
Coding change: c.981G>A on transcript NM_001507.1 (MANE Select); coding-DNA position 981, G replaced by A.
Protein change: p.Ser327=; no amino-acid change (serine 327 retained).
Molecular consequence: synonymous variant.
Genome position (GRCh38, 1-based): chr13:49,222,119, G>A. VCF-style: chr13-49222119-G-A. GRCh37 (hg19) VCF-style: chr13-49796255-G-A.
Identifiers: ClinVar variation 2643815 (VCV002643815.24), dbSNP rs200619940, ClinGen allele CA6980831.

ClinVar aggregate classification (germline): Likely benign (1 of 4 stars; one submission).

Allele frequency attached by ClinVar (database versions not stated): TOPMed 0.00005; gnomAD 0.00024; 1000 Genomes Project 30x 0.00109; ExAC 0.00114; 1000 Genomes Project 0.00120.

Submission:

CeGaT Center for Human Genetics Tuebingen
Classification: Likely benign. Last evaluated: 2022-07-01. Review status: criteria provided, single submitter. Criteria: CeGaT Center For Human Genetics Tuebingen Variant Classification Criteria Version 2. Collection method: clinical testing. Allele origin: germline. Affected: yes. Observed: 1 variant allele.
Comment: MLNR: BP4, BP7